The following is an entry in ClinVar:

NM_020778.5(ALPK3):c.4411-3C>T

Gene: ALPK3 (alpha kinase 3; plus strand). Cytogenetic location: 15q25.3.
Variant type: single nucleotide variant.
Coding change: c.4411-3C>T on transcript NM_020778.5 (MANE Select); 3 bases into the intron before coding-DNA position 4411, C replaced by T.
Molecular consequence: intron variant.
Genome position (GRCh38, 1-based): chr15:84,863,549, C>T. VCF-style: chr15-84863549-C-T. GRCh37 (hg19) VCF-style: chr15-85406780-C-T.
Identifiers: ClinVar variation 4044525 (VCV004044525.2).
Genomic context (GRCh38, chr15:84,863,549, plus strand): 5'-GGTAGACACAGTGGAGGACTGAGGAATTTCTTTGCTCACCACATTTGGTTCCCTCATCCA[C>T]AGGGGTGCAAGATCCAGAACATGAGTCGGGAGTACTGCAAAATCTTCGCAGCAGAAGCCC-3'

ClinVar aggregate classification (germline): Uncertain significance. Review status: criteria provided, multiple submitters, no conflicts (2 of 4 stars). 2 submissions from 2 submitters: Uncertain significance (2). Last evaluated 2025-04-16.

Conditions:
Cardiovascular phenotype. Identifiers: MedGen CN230736.

Submissions (2):

Ambry Genetics
Classification: Uncertain significance for Cardiovascular phenotype. Last evaluated: 2025-04-16. Review status: criteria provided, single submitter. Criteria: Ambry Variant Classification Scheme 2023. Collection method: clinical testing. Allele origin: germline.
Comment: The c.5017-3C>T intronic variant results from a C to T substitution 3 nucleotides upstream from coding exon 11 in the ALPK3 gene. This nucleotide position is well conserved in available vertebrate species. In silico splice site analysis predicts that this alteration will not have any significant effect on splicing. Based on the available evidence, the clinical significance of this variant remains unclear.

Labcorp Genetics (formerly Invitae), Labcorp
Classification: Uncertain significance. Last evaluated: 2025-03-25. Review status: criteria provided, single submitter. Criteria: Invitae Variant Classification Sherloc (09022015). Collection method: clinical testing. Allele origin: germline.
Comment: This sequence change falls in intron 10 of the ALPK3 gene. It does not directly change the encoded amino acid sequence of the ALPK3 protein. It affects a nucleotide within the consensus splice site. This variant is not present in population databases (gnomAD no frequency). This variant has not been reported in the literature in individuals affected with ALPK3-related conditions. Variants that disrupt the consensus splice site are a relatively common cause of aberrant splicing (PMID: 17576681, 9536098). Algorithms developed to predict the effect of sequence changes on RNA splicing suggest that this variant is not likely to affect RNA splicing. In summary, the available evidence is currently insufficient to determine the role of this variant in disease. Therefore, it has been classified as a Variant of Uncertain Significance.

Literature cited by the submitters: PubMed 17576681 (cited by Labcorp Genetics (formerly Invitae), Labcorp); PubMed 9536098 (cited by Labcorp Genetics (formerly Invitae), Labcorp).